The following is an entry in ClinVar:

ClinVar aggregate classification (germline): Uncertain significance (1 of 4 stars; one submission).

Conditions:
Hereditary cancer-predisposing syndrome. Also called: Neoplastic Syndromes, Hereditary; Tumor predisposition; Hereditary Cancer Syndrome; Hereditary neoplastic syndrome. Identifiers: Orphanet 140162, MedGen C0027672, MeSH D009386, MONDO:0015356.

Allele frequency attached by ClinVar (database versions not stated): gnomAD exomes below 0.00001.
gnomAD v4.1: 1 of 1,613,992 alleles (0.000062%); highest among the groups gnomAD compares: Non-Finnish European, 0.000085%; no homozygotes.

Submission:

Ambry Genetics
Classification: Uncertain significance for Hereditary cancer-predisposing syndrome. Last evaluated: 2020-03-09. Review status: criteria provided, single submitter. Criteria: Ambry Variant Classification Scheme 2023. Collection method: clinical testing. Allele origin: germline.
Comment: The p.C645Y variant (also known as c.1934G>A), located in coding exon 10 of the BARD1 gene, results from a G to A substitution at nucleotide position 1934. The cysteine at codon 645 is replaced by tyrosine, an amino acid with highly dissimilar properties. This amino acid position is poorly conserved in available vertebrate species. In addition, this alteration is predicted to be tolerated by in silico analysis. Since supporting evidence is limited at this time, the clinical significance of this alteration remains unclear.

NM_000465.4(BARD1):c.1934G>A (p.Cys645Tyr)

Gene: BARD1 (BRCA1 associated RING domain 1; minus strand). Cytogenetic location: 2q35.
Variant type: single nucleotide variant.
Coding change: c.1934G>A on transcript NM_000465.4 (MANE Select); coding-DNA position 1934, G replaced by A.
Protein change: p.Cys645Tyr; replaces cysteine 645 with tyrosine.
Molecular consequence: missense variant. On other transcripts: non-coding transcript variant (3).
Genome position (GRCh38, 1-based): chr2:214,730,478, C>T on the plus strand (G>A on the coding strand, the complement: BARD1 is on the minus strand). VCF-style: chr2-214730478-C-T. GRCh37 (hg19) VCF-style: chr2-215595202-C-T.
Other names: c.1877G>A, p.Cys626Tyr (NM_001282543.2); c.581G>A, p.Cys194Tyr (NM_001282545.2); c.524G>A, p.Cys175Tyr (NM_001282548.2); c.395G>A, p.Cys132Tyr (NM_001282549.2); short protein forms C645Y, C132Y, C626Y, C175Y, C194Y.
Identifiers: ClinVar variation 1782935 (VCV001782935.2), dbSNP rs2469277456, ClinGen allele CA350451237.